The following is an entry in ClinVar:

ClinVar aggregate classification (germline): Uncertain significance (1 of 4 stars; one submission).

Conditions:
Hyper-IgM syndrome type 1. Also called: Hyper-IgM Immunodeficiency Syndrome, Type 1; CD40 Ligand Deficiency; X-linked hyper-IgM syndrome; Immunodeficiency, X-linked, with hyper-IgM. Identifiers: Orphanet 101088, MedGen C0398689, MONDO:0010626, OMIM 308230.

Submission:

Labcorp Genetics (formerly Invitae), Labcorp
Classification: Uncertain significance for Hyper-IgM syndrome type 1. Last evaluated: 2025-12-21. Review status: criteria provided, single submitter. Criteria: Invitae Variant Classification Sherloc (09022015). Collection method: clinical testing. Allele origin: germline.
Comment: This sequence change replaces threonine, which is neutral and polar, with methionine, which is neutral and non-polar, at codon 68 of the CD40LG protein (p.Thr68Met). This variant is not present in population databases (gnomAD no frequency). This variant has not been reported in the literature in individuals affected with CD40LG-related conditions. ClinVar contains an entry for this variant (Variation ID: 1378108). Invitae Evidence Modeling of protein sequence and biophysical properties (such as structural, functional, and spatial information, amino acid conservation, physicochemical variation, residue mobility, and thermodynamic stability) indicates that this missense variant is not expected to disrupt CD40LG protein function with a negative predictive value of 80%. In summary, the available evidence is currently insufficient to determine the role of this variant in disease. Therefore, it has been classified as a Variant of Uncertain Significance.

NM_000074.3(CD40LG):c.203C>T (p.Thr68Met)

Gene: CD40LG (CD40 ligand; plus strand). Cytogenetic location: Xq26.3.
Variant type: single nucleotide variant.
Coding change: c.203C>T on transcript NM_000074.3 (MANE Select); coding-DNA position 203, C replaced by T.
Protein change: p.Thr68Met; replaces threonine 68 with methionine.
Molecular consequence: missense variant.
Genome position (GRCh38, 1-based): chrX:136,650,312, C>T. VCF-style: chrX-136650312-C-T. GRCh37 (hg19) VCF-style: chrX-135732471-C-T.
Other names: short protein forms T68M.
Identifiers: ClinVar variation 1378108 (VCV001378108.4), dbSNP rs2148551094, ClinGen allele CA414753119.